The following is an entry in ClinVar:

NM_004035.7(ACOX1):c.879_882del (p.Ser294fs)

Gene: ACOX1 (acyl-CoA oxidase 1; minus strand). Cytogenetic location: 17q25.1.
Variant type: Deletion.
Coding change: c.879_882del on transcript NM_004035.7 (MANE Select); coding-DNA positions 879 to 882, 4 bases deleted (GTCT; older notation c.879_882delGTCT).
Protein change: p.Ser294fs; shifts the reading frame from serine 294.
Molecular consequence: frameshift variant.
Genome position (GRCh38, 1-based): chr17:75,953,513-75,953,516, AGAC deleted on the plus strand (GTCT on the coding strand, the reverse complement: ACOX1 is on the minus strand); deleting any 4 consecutive bases within chr17:75,953,513-75,953,519 gives the same sequence; the c. name uses the placement nearest the transcript's 3' end. VCF-style (leftmost placement, unchanged base first): chr17-75953512-TAGAC-T. GRCh37 (hg19) VCF-style: chr17-73949593-TAGAC-T.
Other names: c.765_768del, p.Ser256fs (NM_001185039.2); c.879_882del, p.Ser294fs (NM_007292.6); short protein forms S294fs, S256fs.
Identifiers: ClinVar variation 1396619 (VCV001396619.6), dbSNP rs1338953985, ClinGen allele CA627424489.

ClinVar aggregate classification (germline): Pathogenic (1 of 4 stars; one submission).

Conditions:
Acyl-CoA oxidase deficiency. Also called: Peroxisomal acyl-CoA oxidase deficiency; STRAIGHT-CHAIN ACYL-CoA OXIDASE DEFICIENCY; Pseudoneonatal adrenoleukodystrophy. Identifiers: Orphanet 2971, MedGen C1849678, MONDO:0009919, OMIM 264470. Disease mechanism: loss of function.

Submission:

Labcorp Genetics (formerly Invitae), Labcorp
Classification: Pathogenic for Acyl-CoA oxidase deficiency. Last evaluated: 2021-08-02. Review status: criteria provided, single submitter. Criteria: Invitae Variant Classification Sherloc (09022015). Collection method: clinical testing. Allele origin: germline.
Comment: This sequence change creates a premature translational stop signal (p.Ser294Argfs*12) in the ACOX1 gene. It is expected to result in an absent or disrupted protein product. Loss-of-function variants in ACOX1 are known to be pathogenic (PMID: 8040306, 17458872). This variant is not present in population databases (ExAC no frequency). This variant has not been reported in the literature in individuals affected with ACOX1-related conditions. For these reasons, this variant has been classified as Pathogenic.

Literature cited by the submitters: PubMed 8040306; PubMed 17458872.